The following is an entry in ClinVar:

ClinVar aggregate classification (germline): Uncertain significance (1 of 4 stars; one submission).

gnomAD v4.1: 6 of 1,534,978 alleles (0.00039%); highest among the groups gnomAD compares: Non-Finnish European, 0.00053%; no homozygotes.

Submission:

Labcorp Genetics (formerly Invitae), Labcorp
Classification: Uncertain significance. Last evaluated: 2025-04-07. Review status: criteria provided, single submitter. Criteria: Invitae Variant Classification Sherloc (09022015). Collection method: clinical testing. Allele origin: germline.
Comment: This sequence change replaces isoleucine, which is neutral and non-polar, with valine, which is neutral and non-polar, at codon 104 of the ZCCHC8 protein (p.Ile104Val). This variant is not present in population databases (gnomAD no frequency). This variant has not been reported in the literature in individuals affected with ZCCHC8-related conditions. Invitae Evidence Modeling of protein sequence and biophysical properties (such as structural, functional, and spatial information, amino acid conservation, physicochemical variation, residue mobility, and thermodynamic stability) indicates that this missense variant is not expected to disrupt ZCCHC8 protein function with a negative predictive value of 80%. In summary, the available evidence is currently insufficient to determine the role of this variant in disease. Therefore, it has been classified as a Variant of Uncertain Significance.

NM_017612.5(ZCCHC8):c.310A>G (p.Ile104Val)

Gene: ZCCHC8 (zinc finger CCHC-type containing 8; minus strand). Cytogenetic location: 12q24.31.
Variant type: single nucleotide variant.
Coding change: c.310A>G on transcript NM_017612.5 (MANE Select); coding-DNA position 310, A replaced by G.
Protein change: p.Ile104Val; replaces isoleucine 104 with valine.
Molecular consequence: missense variant. On other transcripts: 5 prime UTR variant (2).
Genome position (GRCh38, 1-based): chr12:122,492,722, T>C on the plus strand (A>G on the coding strand, the complement: ZCCHC8 is on the minus strand). VCF-style: chr12-122492722-T-C. GRCh37 (hg19) VCF-style: chr12-122977269-T-C.
Other names: c.310A>G, p.Ile104Val (NM_001350935.2); c.13A>G, p.Ile5Val (NM_001350936.2); c.-235A>G (NM_001350937.2); c.-129A>G (NM_001350938.2); short protein forms I104V, I5V.
Identifiers: ClinVar variation 4748423 (VCV004748423.1).